The following is an entry in ClinVar:

ClinVar aggregate classification (germline): Uncertain significance. Review status: criteria provided, multiple submitters, no conflicts (2 of 4 stars). 2 submissions from 2 submitters: Uncertain significance (2). Last evaluated 2025-03-31.

Conditions:
Inborn genetic diseases. Identifiers: MedGen C0950123, MeSH D030342.

gnomAD v4.1: 1 of 1,614,142 alleles (0.000062%); no homozygotes.

Submissions (2):

Labcorp Genetics (formerly Invitae), Labcorp
Classification: Uncertain significance. Last evaluated: 2025-03-31. Review status: criteria provided, single submitter. Criteria: Invitae Variant Classification Sherloc (09022015). Collection method: clinical testing. Allele origin: germline.
Comment: This sequence change replaces phenylalanine, which is neutral and non-polar, with leucine, which is neutral and non-polar, at codon 344 of the ERCC6L2 protein (p.Phe344Leu). This variant is present in population databases (rs767004511, gnomAD 0.01%). This variant has not been reported in the literature in individuals affected with ERCC6L2-related conditions. Experimental studies and prediction algorithms are not available or were not evaluated, and the functional significance of this variant is currently unknown. In summary, the available evidence is currently insufficient to determine the role of this variant in disease. Therefore, it has been classified as a Variant of Uncertain Significance.

Ambry Genetics
Classification: Uncertain significance for Inborn genetic diseases. Last evaluated: 2024-12-12. Review status: criteria provided, single submitter. Criteria: Ambry Variant Classification Scheme 2023. Collection method: clinical testing. Allele origin: germline.
Comment: The p.F333L variant (also known as c.999T>G), located in coding exon 6 of the ERCC6L2 gene, results from a T to G substitution at nucleotide position 999. The phenylalanine at codon 333 is replaced by leucine, an amino acid with highly similar properties. This amino acid position is conserved. In addition, this alteration is predicted to be deleterious by in silico analysis. Based on the available evidence, the clinical significance of this variant remains unclear.

NM_020207.7(ERCC6L2):c.999T>G (p.Phe333Leu)

Gene: ERCC6L2 (ERCC excision repair 6 like 2; plus strand). Cytogenetic location: 9q22.32.
Variant type: single nucleotide variant.
Coding change: c.999T>G on transcript NM_020207.7 (MANE Select); coding-DNA position 999, T replaced by G.
Protein change: p.Phe333Leu; replaces phenylalanine 333 with leucine.
Molecular consequence: missense variant. On other transcripts: non-coding transcript variant (1).
Genome position (GRCh38, 1-based): chr9:95,916,275, T>G. VCF-style: chr9-95916275-T-G. GRCh37 (hg19) VCF-style: chr9-98678557-T-G.
Other names: c.999T>G, p.Phe333Leu (NM_001010895.4, NM_001375291.1, NM_001375292.1 and 2 more transcripts); short protein forms F333L.
Identifiers: ClinVar variation 3845788 (VCV003845788.2).
Genomic context (GRCh38, chr9:95,916,275, plus strand): 5'-GTCTTTATAAAGGGCTGTGCCAGGCCTTTTAGGGAGTGGGACCTACTTCAAGAAGCAGTT[T>G]TCTGACCCAGTAGAACATGGTCAGAGACACACGGCAACAAAGAGAGAACTAGCCACTGGC-3'
Protein context (NP_064592.3, residues 323-343): LGSGTYFKKQ[Phe333Leu]SDPVEHGQRH